The following is an entry in ClinVar:

ClinVar aggregate classification (germline): Benign (1 of 4 stars; one submission).

Allele frequency attached by ClinVar (database versions not stated): 1000 Genomes Project 0.42492; 1000 Genomes Project 30x 0.43254; gnomAD 0.45209 and 0.45804; TOPMed 0.45611.
gnomAD v4.1: 68,419 of 151,790 alleles (45%); highest among the groups gnomAD compares: African/African-American, 63%; 16,535 homozygotes.

Submission:

GeneDx
Classification: Benign. Last evaluated: 2018-06-14. Review status: criteria provided, single submitter. Criteria: GeneDx Variant Classification (06012015). Collection method: clinical testing. Allele origin: germline. Affected: yes.
Comment: This variant is considered likely benign or benign based on one or more of the following criteria: it is a conservative change, it occurs at a poorly conserved position in the protein, it is predicted to be benign by multiple in silico algorithms, and/or has population frequency not consistent with disease.

NM_005751.5(AKAP9):c.4693-180G>A

Gene: AKAP9 (A-kinase anchoring protein 9; plus strand). Cytogenetic location: 7q21.2.
Variant type: single nucleotide variant.
Coding change: c.4693-180G>A on transcript NM_005751.5 (MANE Select); 180 bases into the intron before coding-DNA position 4693, G replaced by A.
Molecular consequence: intron variant.
Genome position (GRCh38, 1-based): chr7:92,040,494, G>A. VCF-style: chr7-92040494-G-A. GRCh37 (hg19) VCF-style: chr7-91669808-G-A.
Other names: c.4693-180G>A (NM_147185.3).
Identifiers: ClinVar variation 671870 (VCV000671870.1), dbSNP rs6961928, ClinGen allele CA12693887.